The following is an entry in ClinVar:

ClinVar aggregate classification (germline): Uncertain significance (1 of 4 stars; one submission).

Conditions:
Inborn genetic diseases. Identifiers: MedGen C0950123, MeSH D030342.

Allele frequency attached by ClinVar (database versions not stated): gnomAD exomes below 0.00001; gnomAD 0.00002; TOPMed 0.00002.
gnomAD v4.1: 5 of 1,210,276 alleles (0.00041%); highest among the groups gnomAD compares: African/African-American, 0.0035%; no homozygotes.

Submission:

Ambry Genetics
Classification: Uncertain significance for Inborn genetic diseases. Last evaluated: 2017-09-06. Review status: criteria provided, single submitter. Criteria: Ambry Variant Classification Scheme 2023. Collection method: clinical testing. Allele origin: germline.
Comment: The c.-1C>T variant is located in the 5' untranslated region (5&rsquo; UTR) of the ALG13 gene. This variant results from a C to T substitution 1 base upstream from the first translated codon. This nucleotide position is poorly conserved in available vertebrate species. Since supporting evidence is limited at this time, the clinical significance of this alteration remains unclear.

NM_001099922.3(ALG13):c.-1C>T

Gene: ALG13 (ALG13 UDP-N-acetylglucosaminyltransferase subunit; plus strand). Cytogenetic location: Xq23.
Variant type: single nucleotide variant.
Coding change: c.-1C>T on transcript NM_001099922.3 (MANE Select); 1 bases upstream of the start codon, C replaced by T.
Molecular consequence: 5 prime UTR variant. On other transcripts: non-coding transcript variant (3).
Genome position (GRCh38, 1-based): chrX:111,681,218, C>T. VCF-style: chrX-111681218-C-T. GRCh37 (hg19) VCF-style: chrX-110924446-C-T.
Other names: c.-1C>T (NM_001039210.5, NM_001168385.3, NM_001324290.2 and 2 more transcripts); c.-209C>T (NM_001257230.2, NM_001324291.2); c.-301C>T (NM_001257231.2, NM_001257241.3); c.-334C>T (NM_001257234.2, NM_001257235.3); c.-438C>T (NM_001257237.2, NM_001257240.3, NM_001324293.1).
Identifiers: ClinVar variation 1784191 (VCV001784191.2), dbSNP rs904318687, ClinGen allele CA334441177.